The following is an entry in ClinVar:

NM_018684.4(ZC4H2):c.526A>G (p.Thr176Ala)

Gene: ZC4H2 (zinc finger C4H2-type containing; minus strand). Cytogenetic location: Xq11.2.
Variant type: single nucleotide variant.
Coding change: c.526A>G on transcript NM_018684.4 (MANE Select); coding-DNA position 526, A replaced by G.
Protein change: p.Thr176Ala; replaces threonine 176 with alanine.
Molecular consequence: missense variant. On other transcripts: non-coding transcript variant (1), intron variant (1).
Genome position (GRCh38, 1-based): chrX:64,919,077, T>C on the plus strand (A>G on the coding strand, the complement: ZC4H2 is on the minus strand). VCF-style: chrX-64919077-T-C. GRCh37 (hg19) VCF-style: chrX-64138957-T-C.
Other names: c.457A>G, p.Thr153Ala (NM_001178032.3, NM_001243804.2); c.398+1004A>G (NM_001178033.3); short protein forms T153A, T176A.
Identifiers: ClinVar variation 3365644 (VCV003365644.1).

ClinVar aggregate classification (germline): Uncertain significance (1 of 4 stars; one submission).

Submission:

GeneDx
Classification: Uncertain significance. Last evaluated: 2023-12-14. Review status: criteria provided, single submitter. Criteria: GeneDx Variant Classification Process June 2021. Collection method: clinical testing. Allele origin: germline. Affected: yes.
Comment: Not observed at significant frequency in large population cohorts (gnomAD); In silico analysis supports that this missense variant does not alter protein structure/function; Has not been previously published as pathogenic or benign to our knowledge